The following is an entry in ClinVar:

ClinVar aggregate classification (germline): Uncertain significance. Review status: criteria provided, multiple submitters, no conflicts (2 of 4 stars). 2 submissions from 2 submitters: Uncertain significance (2). Last evaluated 2025-08-18.

Conditions:
Short-rib thoracic dysplasia 10 with or without polydactyly (SRTD10). Identifiers: Orphanet 474, MedGen C3810175, MONDO:0014284, OMIM 615630.
Bardet-Biedl syndrome 20. Identifiers: MedGen C4310707, MONDO:0023670, OMIM 619471, MONDO:0014926.
Retinitis pigmentosa 71 (RP71). Identifiers: Orphanet 791, MedGen C4225342, MONDO:0014618, OMIM 616394.
IFT172-related disorder. Also called: IFT172-related disorders; IFT172-related condition.

Submissions (2):

PreventionGenetics, part of Exact Sciences
Classification: Uncertain significance for IFT172-related condition. Last evaluated: 2025-08-18. Review status: criteria provided, single submitter. Criteria: ACMG Guidelines, 2015. Collection method: clinical testing. Allele origin: germline.
Comment: The IFT172 c.3082_3084delCTC variant is predicted to result in an in-frame deletion (p.Leu1028del). To our knowledge, this variant has not been reported in the literature or in a large population database (gnomAD), indicating this variant is rare. At this time, the clinical significance of this variant is uncertain due to the absence of conclusive functional and genetic evidence.

Fulgent Genetics
Classification: Uncertain significance for Short-rib thoracic dysplasia 10 with or without polydactyly; Retinitis pigmentosa 71; Bardet-Biedl syndrome 20. Last evaluated: 2024-05-12. Review status: criteria provided, single submitter. Criteria: ACMG Guidelines, 2015. Collection method: clinical testing. Allele origin: germline.

NM_015662.3(IFT172):c.3079CTC[1] (p.Leu1028del)

Gene: IFT172 (intraflagellar transport 172; minus strand). Cytogenetic location: 2p23.3.
Variant type: Microsatellite.
Coding change: c.3079CTC[1] on transcript NM_015662.3 (MANE Select); one copy of the 3-base unit CTC starting at c.3079; the reference has two copies in a row; one copy, 3 bases deleted; also written c.3082_3084del.
Protein change: p.Leu1028del; deletes leucine 1028.
Genome position (GRCh38, 1-based): chr2:27,457,868-27,457,870, GAG deleted on the plus strand (CTC on the coding strand, the reverse complement: IFT172 is on the minus strand); deleting any 3 consecutive bases within chr2:27,457,868-27,457,873 gives the same sequence; the position shown is the placement nearest the transcript's 3' end. VCF-style (leftmost placement, unchanged base first): chr2-27457867-TGAG-T. GRCh37 (hg19) VCF-style: chr2-27680734-TGAG-T.
Other names: c.3082_3084delCTC (NM_015662.2); c.3082_3084del (NM_015662.3); c.3013CTC[1], p.Leu1006del (NM_001410739.1); short protein forms L1028del, L1006del.
Identifiers: ClinVar variation 3586308 (VCV003586308.2).